The following is an entry in ClinVar:

NM_001301071.2(DOK7):c.1794G>A (p.Ser598=)

Gene: DOK7 (docking protein 7; plus strand). Cytogenetic location: 4p16.3.
Variant type: single nucleotide variant.
Coding change: c.1794G>A on transcript NM_001301071.2; coding-DNA position 1794, G replaced by A.
Protein change: p.Ser598=; no amino-acid change (serine 598 retained).
Molecular consequence: synonymous variant.
Genome position (GRCh38, 1-based): chr4:3,500,792, G>A. VCF-style: chr4-3500792-G-A. GRCh37 (hg19) VCF-style: chr4-3502519-G-A.
Other names: c.1362G>A, p.Ser454= (NM_001363811.2).
Identifiers: ClinVar variation 3032035 (VCV003032035.2), dbSNP rs182927861, ClinGen allele CA2829659.

ClinVar aggregate classification (germline): Likely benign (0 of 4 stars; one submission).

Conditions:
DOK7-related disorder. Also called: DOK7-related condition.

Allele frequency attached by ClinVar (database versions not stated): TOPMed 0.00008; 1000 Genomes Project 0.00020; 1000 Genomes Project 30x 0.00047; gnomAD exomes 0.00003; gnomAD 0.00005; ExAC 0.00009.
gnomAD v4.1: 50 of 1,533,886 alleles (0.0033%); highest among the groups gnomAD compares: Middle Eastern, 0.02%; no homozygotes.

Submission:

PreventionGenetics, part of Exact Sciences
Classification: Likely benign for DOK7-related condition. Last evaluated: 2020-08-24. Review status: no assertion criteria provided. Collection method: clinical testing. Allele origin: germline.
Comment: This variant is classified as likely benign based on ACMG/AMP sequence variant interpretation guidelines (Richards et al. 2015 PMID: 25741868, with internal and published modifications).